The following is an entry in ClinVar:

ClinVar aggregate classification (germline): Uncertain significance. Review status: criteria provided, multiple submitters, no conflicts (2 of 4 stars). 4 submissions from 4 submitters: Uncertain significance (4). Last evaluated 2025-01-29.

Conditions:
Short stature due to primary acid-labile subunit deficiency. Also called: Acid-labile subunit deficiency; Acid-labile subunit, deficiency of. Identifiers: Orphanet 140941, MedGen C3900122, MONDO:0014420, OMIM 615961.
Inborn genetic diseases. Identifiers: MedGen C0950123, MeSH D030342.

Allele frequency attached by ClinVar (database versions not stated): ExAC 0.00007; ESP Exome Variant Server 0.00008; gnomAD exomes 0.00009; TOPMed 0.00009; gnomAD 0.00011; 1000 Genomes Project 30x 0.00016; 1000 Genomes Project 0.00020.

Submissions (4):

Ambry Genetics
Classification: Uncertain significance for Inborn genetic diseases. Last evaluated: 2025-01-29. Review status: criteria provided, single submitter. Criteria: Ambry Variant Classification Scheme 2023. Collection method: clinical testing. Allele origin: germline.

GeneDx
Classification: Uncertain significance. Last evaluated: 2023-07-14. Review status: criteria provided, single submitter. Criteria: GeneDx Variant Classification Process June 2021. Collection method: clinical testing. Allele origin: germline. Affected: yes.
Comment: In silico analysis supports that this missense variant does not alter protein structure/function; Has not been previously published as pathogenic or benign to our knowledge

Illumina Laboratory Services, Illumina
Classification: Uncertain significance for Short stature due to primary acid-labile subunit deficiency. Last evaluated: 2018-01-12. Review status: criteria provided, single submitter. Criteria: ICSL Variant Classification Criteria 13 December 2019. Collection method: clinical testing. Allele origin: germline.

Breakthrough Genomics
Classification: Uncertain significance. Review status: criteria provided, single submitter. Criteria: ACMG Guidelines, 2015. Collection method: not provided. Allele origin: germline. Inheritance: Autosomal recessive inheritance. Affected: yes.

NM_004970.3(IGFALS):c.154G>A (p.Asp52Asn)

Gene: IGFALS (insulin like growth factor binding protein acid labile subunit; minus strand). Cytogenetic location: 16p13.3.
Variant type: single nucleotide variant.
Coding change: c.154G>A on transcript NM_004970.3 (MANE Select); coding-DNA position 154, G replaced by A.
Protein change: p.Asp52Asn; replaces aspartic acid 52 with asparagine.
Molecular consequence: missense variant. On other transcripts: non-coding transcript variant (1).
Genome position (GRCh38, 1-based): chr16:1,792,264, C>T on the plus strand (G>A on the coding strand, the complement: IGFALS is on the minus strand). VCF-style: chr16-1792264-C-T. GRCh37 (hg19) VCF-style: chr16-1842265-C-T.
Other names: c.268G>A, p.Asp90Asn (NM_001146006.2); short protein forms D90N, D52N.
Identifiers: ClinVar variation 887659 (VCV000887659.7), dbSNP rs199507191, ClinGen allele CA7820695.